The following is an entry in ClinVar:

ClinVar aggregate classification (germline): Uncertain significance. Review status: criteria provided, multiple submitters, no conflicts (2 of 4 stars). 2 submissions from 2 submitters: Uncertain significance (2). Last evaluated 2023-04-06.

Conditions:
PIK3R2-related disorder. Also called: PIK3R2-related condition.
Megalencephaly-polymicrogyria-postaxial polydactyly-hydrocephalus syndrome. Also called: MEG-PMG-MEGACC SYNDROME; MPPH Syndrome. Identifiers: Orphanet 83473, MedGen C1863924, MONDO:0019375.

Allele frequency attached by ClinVar (database versions not stated): gnomAD 0.00001; TOPMed 0.00002; gnomAD exomes 0.00005.

Submissions (2):

Labcorp Genetics (formerly Invitae), Labcorp
Classification: Uncertain significance for Megalencephaly-polymicrogyria-postaxial polydactyly-hydrocephalus syndrome. Last evaluated: 2023-04-06. Review status: criteria provided, single submitter. Criteria: Invitae Variant Classification Sherloc (09022015). Collection method: clinical testing. Allele origin: germline.
Comment: This sequence change replaces arginine, which is basic and polar, with glutamine, which is neutral and polar, at codon 652 of the PIK3R2 protein (p.Arg652Gln). This variant is present in population databases (no rsID available, gnomAD 0.002%). This variant has not been reported in the literature in individuals affected with PIK3R2-related conditions. Advanced modeling of protein sequence and biophysical properties (such as structural, functional, and spatial information, amino acid conservation, physicochemical variation, residue mobility, and thermodynamic stability) performed at Invitae indicates that this missense variant is not expected to disrupt PIK3R2 protein function. In summary, the available evidence is currently insufficient to determine the role of this variant in disease. Therefore, it has been classified as a Variant of Uncertain Significance.

PreventionGenetics, part of Exact Sciences
Classification: Uncertain significance for PIK3R2-related condition. Last evaluated: 2023-01-31. Review status: criteria provided, single submitter. Criteria: ACMG Guidelines, 2015. Collection method: clinical testing. Allele origin: germline.
Comment: The PIK3R2 c.1955G>A variant is predicted to result in the amino acid substitution p.Arg652Gln. To our knowledge, this variant has not been reported in the literature. This variant is reported in 0.0018% of alleles in individuals of European (Non-Finnish) descent in gnomAD. At this time, the clinical significance of this variant is uncertain due to the absence of conclusive functional and genetic evidence.

NM_005027.4(PIK3R2):c.1955G>A (p.Arg652Gln)

Gene: PIK3R2 (phosphoinositide-3-kinase regulatory subunit 2; plus strand). Cytogenetic location: 19p13.11.
Variant type: single nucleotide variant.
Coding change: c.1955G>A on transcript NM_005027.4 (MANE Select); coding-DNA position 1955, G replaced by A.
Protein change: p.Arg652Gln; replaces arginine 652 with glutamine.
Molecular consequence: missense variant. On other transcripts: non-coding transcript variant (2).
Genome position (GRCh38, 1-based): chr19:18,168,872, G>A. VCF-style: chr19-18168872-G-A. GRCh37 (hg19) VCF-style: chr19-18279682-G-A.
Other names: short protein forms R652Q.
Identifiers: ClinVar variation 2634884 (VCV002634884.4), dbSNP rs1431128842, ClinGen allele CA404815937.